The following is an entry in ClinVar:

ClinVar aggregate classification (germline): Uncertain significance (1 of 4 stars; one submission).

Allele frequency attached by ClinVar (database versions not stated): TOPMed 0.00004; gnomAD 0.00011; ExAC 0.00056; 1000 Genomes Project 30x 0.00094; 1000 Genomes Project 0.00100.
gnomAD v4.1: 449 of 1,614,180 alleles (0.028%); highest among the groups gnomAD compares: South Asian, 0.46%; 7 homozygotes.

Submission:

Ambry Genetics
Classification: Uncertain significance. Last evaluated: 2024-10-31. Review status: criteria provided, single submitter. Criteria: Ambry Variant Classification Scheme 2023. Collection method: clinical testing. Allele origin: germline.
Comment: The p.S1863T variant (also known as c.5588G>C), located in coding exon 6 of the ALPK2 gene, results from a G to C substitution at nucleotide position 5588. The serine at codon 1863 is replaced by threonine, an amino acid with similar properties. This amino acid position is conserved. In addition, this alteration is predicted to be tolerated by in silico analysis. Since supporting evidence is limited at this time, the clinical significance of this alteration remains unclear.

NM_052947.4(ALPK2):c.5588G>C (p.Ser1863Thr)

Gene: ALPK2 (alpha kinase 2; minus strand). Cytogenetic location: 18q21.31.
Variant type: single nucleotide variant.
Coding change: c.5588G>C on transcript NM_052947.4 (MANE Select); coding-DNA position 5588, G replaced by C.
Protein change: p.Ser1863Thr; replaces serine 1863 with threonine.
Molecular consequence: missense variant.
Genome position (GRCh38, 1-based): chr18:58,523,976, C>G on the plus strand (G>C on the coding strand, the complement: ALPK2 is on the minus strand). VCF-style: chr18-58523976-C-G. GRCh37 (hg19) VCF-style: chr18-56191208-C-G.
Other names: short protein forms S1863T.
Identifiers: ClinVar variation 1748454 (VCV001748454.3), dbSNP rs569906706, ClinGen allele CA8976440.